The following is an entry in ClinVar:

ClinVar aggregate classification (germline): Conflicting classifications of pathogenicity. Review status: criteria provided, conflicting classifications (1 of 4 stars). 6 submissions from 6 submitters: Uncertain significance (4); Likely benign (2). Last evaluated 2023-07-05.

Conditions:
Early-onset myopathy with fatal cardiomyopathy (CMYO5). Also called: Salih Myopathy; CONGENITAL MYOPATHY 5 WITH CARDIOMYOPATHY. Identifiers: Orphanet 289377, MedGen C2673677, MONDO:0012714, OMIM 611705. Disease mechanism: loss of function.
Autosomal recessive limb-girdle muscular dystrophy type 2J (LGMDR10). Also called: Limb-girdle muscular dystrophy, type 2J; MUSCULAR DYSTROPHY, LIMB-GIRDLE, AUTOSOMAL RECESSIVE 10. Identifiers: Orphanet 140922, MedGen C1837342, MONDO:0012127, OMIM 608807.
Tibial muscular dystrophy (TMD). Also called: Tibial muscular dystrophy, tardive; Udd Distal Myopathy – Tibial Muscular Dystrophy; UDD MYOPATHY. Identifiers: Orphanet 609, MedGen C1838244, MONDO:0010870, OMIM 600334.
Hypertrophic cardiomyopathy 9. Also called: Familial hypertrophic cardiomyopathy 9. Identifiers: MedGen C1861065, MONDO:0013412, OMIM 613765.
Dilated cardiomyopathy 1G (CMD1G). Identifiers: Orphanet 154, MedGen C1858763, MONDO:0011400, OMIM 604145.
Myopathy, myofibrillar, 9, with early respiratory failure (MFM9). Also called: Hereditary myopathy with early respiratory failure; MYOPATHY, PROXIMAL, WITH EARLY RESPIRATORY MUSCLE INVOLVEMENT; Myopathy, distal, with early respiratory failure, autosomal dominant; EDSTROM MYOPATHY. Identifiers: Orphanet 178464, Orphanet 34521, MedGen C1863599, MONDO:0011362, OMIM 603689.
Cardiomyopathy (CMYO). Also called: Cardiomyopathies. Identifiers: Orphanet 167848, MedGen C0878544, MONDO:0004994, HP:0001638. Inheritance: Various modes of inheritance.

Allele frequency attached by ClinVar (database versions not stated): gnomAD exomes 0.00002; gnomAD 0.00003; TOPMed 0.00003; ExAC 0.00004.
gnomAD v4.1: 43 of 1,588,744 alleles (0.0027%); highest among the groups gnomAD compares: Middle Eastern, 0.017%; no homozygotes.

Submissions (6):

Blueprint Genetics
Classification: Likely benign. Last evaluated: 2023-07-05. Review status: criteria provided, single submitter. Criteria: ACMG Guidelines, 2015. Collection method: clinical testing. Allele origin: germline.

CHEO Genetics Diagnostic Laboratory, Children's Hospital of Eastern Ontario
Classification: Likely benign for Cardiomyopathy. Last evaluated: 2023-03-17. Review status: criteria provided, single submitter. Criteria: ACMG Guidelines, 2015. Collection method: clinical testing. Allele origin: germline.

GeneDx
Classification: Uncertain significance. Last evaluated: 2022-12-01. Review status: criteria provided, single submitter. Criteria: GeneDx Variant Classification Process June 2021. Collection method: clinical testing. Allele origin: germline. Affected: yes.
Comment: Not observed at significant frequency in large population cohorts (gnomAD); Missense variant in a gene in which most reported pathogenic variants are truncating/loss of function; Has not been previously published as pathogenic or benign to our knowledge

Fulgent Genetics
Classification: Uncertain significance for Tibial muscular dystrophy; Myopathy, myofibrillar, 9, with early respiratory failure; Dilated cardiomyopathy 1G; Autosomal recessive limb-girdle muscular dystrophy type 2J; Early-onset myopathy with fatal cardiomyopathy; Hypertrophic cardiomyopathy 9. Last evaluated: 2021-08-20. Review status: criteria provided, single submitter. Criteria: ACMG Guidelines, 2015. Collection method: clinical testing. Allele origin: unknown.

Labcorp Genetics (formerly Invitae), Labcorp
Classification: Uncertain significance for Dilated cardiomyopathy 1G; Autosomal recessive limb-girdle muscular dystrophy type 2J. Last evaluated: 2017-06-10. Review status: criteria provided, single submitter. Criteria: Invitae Variant Classification Sherloc (09022015). Collection method: clinical testing. Allele origin: germline.

Laboratory for Molecular Medicine, Mass General Brigham Personalized Medicine
Classification: Uncertain significance. Last evaluated: 2015-02-13. Review status: criteria provided, single submitter. Criteria: LMM Criteria. Collection method: clinical testing. Allele origin: germline. Observed: 1 variant allele.
Comment: The p.Ser4207Gly variant in TTN has not been previously reported in individuals with cardiomyopathy, but has been identified in 4/60976 European chromosomes by the Exome Aggregation Consortium (ExAC). Computa tional prediction tools and conservation analysis suggest that the p.Ser4207Gly variant may not impact the protein, though this information is not predictive en ough to rule out pathogenicity. In summary, the clinical significance of the p.S er4207Gly variant is uncertain.

NM_001267550.2(TTN):c.16351A>G (p.Ser5451Gly)

Gene: TTN (titin; minus strand). Cytogenetic location: 2q31.2.
Variant type: single nucleotide variant.
Coding change: c.16351A>G on transcript NM_001267550.2 (MANE Select); coding-DNA position 16351, A replaced by G.
Protein change: p.Ser5451Gly; replaces serine 5451 with glycine.
Molecular consequence: missense variant. On other transcripts: intron variant (3).
Genome position (GRCh38, 1-based): chr2:178,732,710, T>C on the plus strand (A>G on the coding strand, the complement: TTN is on the minus strand). VCF-style: chr2-178732710-T-C. GRCh37 (hg19) VCF-style: chr2-179597437-T-C.
Other names: c.12619A>G, p.Ser4207Gly (NM_133378.4); c.16351A>G (NM_001267550.1); c.15400A>G, p.Ser5134Gly (NM_001256850.1); c.13282+5372A>G (NM_003319.4); c.13858+5372A>G (NM_133437.4); c.13657+5372A>G (NM_133432.3); short protein forms S4207G, S5451G, S5134G.
Identifiers: ClinVar variation 229388 (VCV000229388.13), dbSNP rs760722200, ClinGen allele CA2002044.
Genomic context (GRCh38, chr2:178,732,710, plus strand): 5'-TCTTCAGGCAGACTGCTGAGCCAGGCAGAACATCCTTTGAGCCGGGTTTAGTTACAAAAC[T>C]GGGTGGTTCTGAAGAAGGGGTATAAGAAAGAATTTCAAAGAGTTAAGAGGGTTGATCTAA-3'
Protein context (NP_001254479.2, residues 5441-5461): SGALIVQEPP[Ser5451Gly]FVTKPGSKDV